The following is an entry in ClinVar:

ClinVar aggregate classification (germline): Uncertain significance (1 of 4 stars; one submission).

Conditions:
Sotos syndrome (SOTOS). Also called: CEREBRAL GIGANTISM; Distinctive facial appearance, overgrowth in childhood, and learning disabilities or delayed development; SOTOS SYNDROME 1; Sotos' syndrome; CHROMOSOME 5q35 DELETION SYNDROME. Identifiers: Orphanet 821, MedGen C0175695, MONDO:0019349, OMIM 117550.

Submission:

Juno Genomics, Hangzhou Juno Genomics, Inc
Classification: Uncertain significance for Sotos syndrome. Review status: criteria provided, single submitter. Criteria: ACMG Guidelines, 2015. Collection method: clinical testing. Allele origin: germline.
Comment: Absent from controls (or at extremely low frequency if recessive) in Genome Aggregation Database.;Multiple lines of computational evidence support a deleterious effect on the gene or gene product.;Missense variant in a gene that has a low rate of benign missense variation.

NM_022455.5(NSD1):c.5629C>G (p.Arg1877Gly)

Gene: NSD1 (nuclear receptor binding SET domain protein 1; plus strand). Cytogenetic location: 5q35.3.
Variant type: single nucleotide variant.
Coding change: c.5629C>G on transcript NM_022455.5 (MANE Select); coding-DNA position 5629, C replaced by G.
Protein change: p.Arg1877Gly; replaces arginine 1877 with glycine.
Molecular consequence: missense variant.
Genome position (GRCh38, 1-based): chr5:177,280,571, C>G. VCF-style: chr5-177280571-C-G. GRCh37 (hg19) VCF-style: chr5-176707572-C-G.
Other names: c.5209C>G, p.Arg1737Gly (NM_001409304.1); c.4876C>G, p.Arg1626Gly (NM_001409305.1); c.4867C>G, p.Arg1623Gly (NM_001409306.1, NM_001409307.1); c.4756C>G, p.Arg1586Gly (NM_001409308.1, NM_001409309.1, NM_172349.5 and 1 more transcripts); c.5629C>G, p.Arg1877Gly (NM_001409301.1, NM_001409302.1, NM_001409303.1); short protein forms R1586G, R1623G, R1626G, R1737G, R1877G.
Identifiers: ClinVar variation 5019464 (VCV005019464.2).